The following is an entry in ClinVar:

NM_005876.5(SPEG):c.6203A>G (p.Gln2068Arg)

Genes: ASIC4-AS1 (ASIC4 antisense RNA 1; minus strand), SPEG (striated muscle enriched protein kinase; plus strand). Cytogenetic location: 2q35.
Variant type: single nucleotide variant.
Coding change: c.6203A>G on transcript NM_005876.5 (MANE Select); coding-DNA position 6203, A replaced by G.
Protein change: p.Gln2068Arg; replaces glutamine 2068 with arginine.
Molecular consequence: missense variant.
Genome position (GRCh38, 1-based): chr2:219,483,666, A>G. VCF-style: chr2-219483666-A-G. GRCh37 (hg19) VCF-style: chr2-220348388-A-G.
Other names: c.6203A>G (NM_005876.4); short protein forms Q2068R.
Identifiers: ClinVar variation 1387656 (VCV001387656.7), dbSNP rs926712643, ClinGen allele CA65990664.

ClinVar aggregate classification (germline): Uncertain significance. Review status: criteria provided, multiple submitters, no conflicts (2 of 4 stars). 2 submissions from 2 submitters: Uncertain significance (2). Last evaluated 2025-08-31.

Conditions:
Inborn genetic diseases. Identifiers: MedGen C0950123, MeSH D030342.

Allele frequency attached by ClinVar (database versions not stated): TOPMed 0.00002.

Submissions (2):

Ambry Genetics
Classification: Uncertain significance for Inborn genetic diseases. Last evaluated: 2025-08-31. Review status: criteria provided, single submitter. Criteria: Ambry Variant Classification Scheme 2023. Collection method: clinical testing. Allele origin: germline.

Labcorp Genetics (formerly Invitae), Labcorp
Classification: Uncertain significance. Last evaluated: 2021-09-29. Review status: criteria provided, single submitter. Criteria: Invitae Variant Classification Sherloc (09022015). Collection method: clinical testing. Allele origin: germline.
Comment: The frequency data for this variant in the population databases is considered unreliable, as metrics indicate insufficient coverage at this position in the ExAC database. This variant has not been reported in the literature in individuals affected with SPEG-related conditions. Algorithms developed to predict the effect of missense changes on protein structure and function are either unavailable or do not agree on the potential impact of this missense change (SIFT: "Deleterious"; PolyPhen-2: "Possibly Damaging"; Align-GVGD: "Class C0"). In summary, the available evidence is currently insufficient to determine the role of this variant in disease. Therefore, it has been classified as a Variant of Uncertain Significance. This sequence change replaces glutamine with arginine at codon 2068 of the SPEG protein (p.Gln2068Arg). The glutamine residue is highly conserved and there is a small physicochemical difference between glutamine and arginine.